The following is an entry in ClinVar:

ClinVar aggregate classification (germline): Uncertain significance. Review status: criteria provided, multiple submitters, no conflicts (2 of 4 stars). 2 submissions from 2 submitters: Uncertain significance (2). Last evaluated 2024-10-26.

Conditions:
Chédiak-Higashi syndrome (CHS). Also called: Chediak-Higashi Syndrome. Identifiers: Orphanet 167, MedGen C0007965, MONDO:0008963, OMIM 214500.

Allele frequency attached by ClinVar (database versions not stated): gnomAD 0.00001; gnomAD exomes 0.00001; TOPMed 0.00002.
gnomAD v4.1: 6 of 1,611,550 alleles (0.00037%); highest among the groups gnomAD compares: Non-Finnish European, 0.00051%; no homozygotes.

Submissions (2):

Labcorp Genetics (formerly Invitae), Labcorp
Classification: Uncertain significance for Chédiak-Higashi syndrome. Last evaluated: 2024-10-26. Review status: criteria provided, single submitter. Criteria: Invitae Variant Classification Sherloc (09022015). Collection method: clinical testing. Allele origin: germline.
Comment: This sequence change replaces lysine, which is basic and polar, with glutamic acid, which is acidic and polar, at codon 85 of the LYST protein (p.Lys85Glu). This variant is present in population databases (no rsID available, gnomAD 0.004%). This variant has not been reported in the literature in individuals affected with LYST-related conditions. ClinVar contains an entry for this variant (Variation ID: 1922404). Invitae Evidence Modeling of protein sequence and biophysical properties (such as structural, functional, and spatial information, amino acid conservation, physicochemical variation, residue mobility, and thermodynamic stability) indicates that this missense variant is not expected to disrupt LYST protein function with a negative predictive value of 80%. In summary, the available evidence is currently insufficient to determine the role of this variant in disease. Therefore, it has been classified as a Variant of Uncertain Significance.

Revvity Omics, Revvity
Classification: Uncertain significance for Chédiak-Higashi syndrome. Last evaluated: 2019-12-16. Review status: criteria provided, single submitter. Criteria: ACMG Guidelines, 2015. Collection method: clinical testing. Allele origin: germline.

NM_000081.4(LYST):c.253A>G (p.Lys85Glu)

Gene: LYST (lysosomal trafficking regulator; minus strand). Cytogenetic location: 1q42.3.
Variant type: single nucleotide variant.
Coding change: c.253A>G on transcript NM_000081.4 (MANE Select); coding-DNA position 253, A replaced by G.
Protein change: p.Lys85Glu; replaces lysine 85 with glutamic acid.
Molecular consequence: missense variant.
Genome position (GRCh38, 1-based): chr1:235,813,001, T>C on the plus strand (A>G on the coding strand, the complement: LYST is on the minus strand). VCF-style: chr1-235813001-T-C. GRCh37 (hg19) VCF-style: chr1-235976301-T-C.
Other names: c.253A>G, p.Lys85Glu (NM_001301365.1); short protein forms K85E.
Identifiers: ClinVar variation 1922404 (VCV001922404.8), dbSNP rs1451315699, ClinGen allele CA344965915.